The following is an entry in ClinVar:

NM_152617.4(RNF168):c.1677G>C (p.Gln559His)

Gene: RNF168 (ring finger protein 168; minus strand). Cytogenetic location: 3q29.
Variant type: single nucleotide variant.
Coding change: c.1677G>C on transcript NM_152617.4 (MANE Select); coding-DNA position 1677, G replaced by C.
Protein change: p.Gln559His; replaces glutamine 559 with histidine.
Molecular consequence: missense variant.
Genome position (GRCh38, 1-based): chr3:196,471,858, C>G on the plus strand (G>C on the coding strand, the complement: RNF168 is on the minus strand). VCF-style: chr3-196471858-C-G. GRCh37 (hg19) VCF-style: chr3-196198729-C-G.
Other names: c.1677G>C (NM_152617.3); short protein forms Q559H.
Identifiers: ClinVar variation 1387035 (VCV001387035.7), dbSNP rs779834028, ClinGen allele CA2780615.

ClinVar aggregate classification (germline): Uncertain significance. Review status: criteria provided, multiple submitters, no conflicts (2 of 4 stars). 2 submissions from 2 submitters: Uncertain significance (2). Last evaluated 2024-03-08.

Conditions:
Inborn genetic diseases. Identifiers: MedGen C0950123, MeSH D030342.

Allele frequency attached by ClinVar (database versions not stated): ExAC 0.00001; gnomAD 0.00003 and 0.00004; gnomAD exomes 0.00003; TOPMed 0.00003.
gnomAD v4.1: 52 of 1,613,878 alleles (0.0032%); highest among the groups gnomAD compares: Non-Finnish European, 0.0041%; no homozygotes.

Submissions (2):

Ambry Genetics
Classification: Uncertain significance for Inborn genetic diseases. Last evaluated: 2024-03-08. Review status: criteria provided, single submitter. Criteria: Ambry Variant Classification Scheme 2023. Collection method: clinical testing. Allele origin: germline.

Labcorp Genetics (formerly Invitae), Labcorp
Classification: Uncertain significance. Last evaluated: 2021-08-08. Review status: criteria provided, single submitter. Criteria: Invitae Variant Classification Sherloc (09022015). Collection method: clinical testing. Allele origin: germline.
Comment: This sequence change replaces glutamine with histidine at codon 559 of the RNF168 protein (p.Gln559His). The glutamine residue is moderately conserved and there is a small physicochemical difference between glutamine and histidine. This variant is present in population databases (rs779834028, ExAC 0.001%). This variant has not been reported in the literature in individuals affected with RNF168-related conditions. Algorithms developed to predict the effect of missense changes on protein structure and function are either unavailable or do not agree on the potential impact of this missense change (SIFT: "Deleterious"; PolyPhen-2: "Probably Damaging"; Align-GVGD: "Class C0"). In summary, the available evidence is currently insufficient to determine the role of this variant in disease. Therefore, it has been classified as a Variant of Uncertain Significance.